The following is an entry in ClinVar:

NM_012418.4(FSCN2):c.315G>C (p.Glu105Asp)

Gene: FSCN2 (fascin actin-bundling protein 2, retinal; plus strand). Cytogenetic location: 17q25.3.
Variant type: single nucleotide variant.
Coding change: c.315G>C on transcript NM_012418.4 (MANE Select); coding-DNA position 315, G replaced by C.
Protein change: p.Glu105Asp; replaces glutamic acid 105 with aspartic acid.
Molecular consequence: missense variant.
Genome position (GRCh38, 1-based): chr17:81,528,846, G>C. VCF-style: chr17-81528846-G-C. GRCh37 (hg19) VCF-style: chr17-79495872-G-C.
Other names: c.315G>C, p.Glu105Asp (NM_001077182.3); short protein forms E105D.
Identifiers: ClinVar variation 1518845 (VCV001518845.6), dbSNP rs2032441646, ClinGen allele CA401470497.
Genomic context (GRCh38, chr17:81,528,846, plus strand): 5'-CCGTGACTGCCGCTTCCTGGTCCTGCCGCAGCCAGATGGGCGCTGGGTGCTGCGGTCCGA[G>C]CCGCACGGCCGCTTCTTCGGAGGCACCGAGGACCAGCTGTCCTGCTTCGCCACAGCCGTT-3'
Protein context (NP_036550.1, residues 95-115): QPDGRWVLRS[Glu105Asp]PHGRFFGGTE

ClinVar aggregate classification (germline): Uncertain significance (1 of 4 stars; one submission).

Allele frequency attached by ClinVar (database versions not stated): TOPMed below 0.00001.

Submission:

Labcorp Genetics (formerly Invitae), Labcorp
Classification: Uncertain significance. Last evaluated: 2021-09-17. Review status: criteria provided, single submitter. Criteria: Invitae Variant Classification Sherloc (09022015). Collection method: clinical testing. Allele origin: germline.
Comment: The frequency data for this variant in the population databases is considered unreliable, as metrics indicate insufficient coverage at this position in the ExAC database. This sequence change replaces glutamic acid with aspartic acid at codon 105 of the FSCN2 protein (p.Glu105Asp). The glutamic acid residue is highly conserved and there is a small physicochemical difference between glutamic acid and aspartic acid. This variant has not been reported in the literature in individuals affected with FSCN2-related conditions. Algorithms developed to predict the effect of missense changes on protein structure and function (SIFT, PolyPhen-2, Align-GVGD) all suggest that this variant is likely to be tolerated. In summary, the available evidence is currently insufficient to determine the role of this variant in disease. Therefore, it has been classified as a Variant of Uncertain Significance.